The following is an entry in ClinVar:

NC_000003.12:g.193657080del

Gene: OPA1 (OPA1 mitochondrial dynamin like GTPase; plus strand). Cytogenetic location: 3q29.
Variant type: Deletion.
Genome position: GRCh38 VCF-style: chr3-193657078-AG-A. GRCh37 (hg19) VCF-style: chr3-193374867-AG-A.
Identifiers: ClinVar variation 3655204 (VCV003655204.2).

ClinVar aggregate classification (germline): Pathogenic (1 of 4 stars; one submission).

Submission:

Labcorp Genetics (formerly Invitae), Labcorp
Classification: Pathogenic. Last evaluated: 2024-05-31. Review status: criteria provided, single submitter. Criteria: Invitae Variant Classification Sherloc (09022015). Collection method: clinical testing. Allele origin: germline.
Comment: This sequence change creates a premature translational stop signal (p.Val672Leufs*14) in the OPA1 gene. It is expected to result in an absent or disrupted protein product. Loss-of-function variants in OPA1 are known to be pathogenic (PMID: 11440988, 20157015, 20952381, 25012220). This variant is not present in population databases (gnomAD no frequency). This variant has not been reported in the literature in individuals affected with OPA1-related conditions. Algorithms developed to predict the effect of sequence changes on RNA splicing suggest that this variant may disrupt the consensus splice site. For these reasons, this variant has been classified as Pathogenic.

Literature cited by the submitters: PubMed 11440988; PubMed 20157015; PubMed 20952381; PubMed 25012220.